The following is an entry in ClinVar:

NM_053025.4(MYLK):c.5238+4del

Genes: MYLK (myosin light chain kinase; minus strand), MYLK-AS1 (MYLK antisense RNA 1; plus strand). Cytogenetic location: 3q21.1.
Variant type: Deletion.
Coding change: c.5238+4del on transcript NM_053025.4 (MANE Select); 4 bases into the intron after coding-DNA position 5238, one base deleted (A; older notation c.5238+4delA).
Molecular consequence: intron variant.
Genome position (GRCh38, 1-based): chr3:123,626,814, T deleted on the plus strand (A on the coding strand, the reverse complement: MYLK is on the minus strand); the first of 2 consecutive T bases (chr3:123,626,814-123,626,815); deleting either gives the same sequence. VCF-style (leftmost placement, unchanged base first): chr3-123626813-AT-A. GRCh37 (hg19) VCF-style: chr3-123345660-AT-A.
Other names: c.4710+4del (NM_001321309.2); c.4878+4del (NM_053028.4); c.5031+4del (NM_053026.4); c.5085+4del (NM_053027.4).
Identifiers: ClinVar variation 4843598 (VCV004843598.1).

ClinVar aggregate classification (germline): Uncertain significance (1 of 4 stars; one submission).

Conditions:
Familial thoracic aortic aneurysm and aortic dissection (TAAD). Also called: Thoracic aortic aneurysms and dissections. Identifiers: Orphanet 91387, MedGen C4707243, MONDO:0019625.

Submission:

Ambry Genetics
Classification: Uncertain significance for Familial thoracic aortic aneurysm and aortic dissection. Last evaluated: 2026-01-13. Review status: criteria provided, single submitter. Criteria: Ambry Variant Classification Scheme 2023. Collection method: clinical testing. Allele origin: germline.
Comment: The c.5238+4delA intronic variant is located 4 nucleotides after coding exon 28 of the MYLK gene. This variant results from a deletion of one nucleotide at position c.5238+4. This nucleotide position is highly conserved in available vertebrate species. In silico splice site analysis predicts that this alteration will not have any significant effect on splicing. Based on the available evidence, the clinical significance of this variant remains unclear.